The following is an entry in ClinVar:

NM_001244008.2(KIF1A):c.704A>G (p.Asn235Ser)

Gene: KIF1A (kinesin family member 1A; minus strand). Cytogenetic location: 2q37.3.
Variant type: single nucleotide variant.
Coding change: c.704A>G on transcript NM_001244008.2 (MANE Select); coding-DNA position 704, A replaced by G.
Protein change: p.Asn235Ser; replaces asparagine 235 with serine.
Molecular consequence: missense variant.
Genome position (GRCh38, 1-based): chr2:240,785,005, T>C on the plus strand (A>G on the coding strand, the complement: KIF1A is on the minus strand). VCF-style: chr2-240785005-T-C. GRCh37 (hg19) VCF-style: chr2-241724422-T-C.
Other names: c.704A>G, p.Asn235Ser (NM_001379637.1, NM_001379638.1, NM_001379639.1 and 21 more transcripts); short protein forms N235S.
Identifiers: ClinVar variation 2159132 (VCV002159132.6), dbSNP rs916761953, ClinGen allele CA68139674.
Genomic context (GRCh38, chr2:240,785,005, plus strand): 5'-AGCCACTGCCCTTGGTGGCACCGCCTGTGAGGCCACTCACTCACCTTCTCCGTGGTGATA[T>C]TGGTCTCTGCGTCATGGCGCTTCTGGGTGAAGATGATGTTGAAGACGGCGTGGGAGCGAC-3'
Protein context (NP_001230937.1, residues 225-245): FTQKRHDAET[Asn235Ser]ITTEKVSKIS

ClinVar aggregate classification (germline): Uncertain significance. Review status: criteria provided, multiple submitters, no conflicts (2 of 4 stars). 2 submissions from 2 submitters: Uncertain significance (2). Last evaluated 2025-04-08.

Conditions:
KIF1A-related disorder. Also called: KIF1A-related disorders; KIF1A-related condition.
Neuropathy, hereditary sensory, type 2C. Also called: KIF1A-Related HSAN2 (HSAN2C); Hereditary sensory and autonomic neuropathy type IIC. Identifiers: Orphanet 970, MedGen C3280168, MONDO:0013634, OMIM 614213.
Intellectual disability, autosomal dominant 9 (NESCAVS). Also called: NESCAV SYNDROME; KIF1A-Related Neurodevelopmental Disorder. Identifiers: Orphanet 662367, MedGen C5393830, MONDO:0013656, OMIM 614255.
Hereditary spastic paraplegia 30. Identifiers: Orphanet 101010, MedGen C5235139, MONDO:0012476.

Allele frequency attached by ClinVar (database versions not stated): gnomAD 0.00001; TOPMed 0.00001.
gnomAD v4.1: 1 of 1,613,184 alleles (0.000062%); highest among the groups gnomAD compares: African/African-American, 0.0013%; no homozygotes.

Submissions (2):

PreventionGenetics, part of Exact Sciences
Classification: Uncertain significance for KIF1A-related condition. Last evaluated: 2025-04-08. Review status: criteria provided, single submitter. Criteria: ACMG Guidelines, 2015. Collection method: clinical testing. Allele origin: germline.
Comment: The KIF1A c.704A>G variant is predicted to result in the amino acid substitution p.Asn235Ser. To our knowledge, this variant has not been reported in the literature or in a large population database (gnomAD), indicating this variant is rare. At this time, the clinical significance of this variant is uncertain due to the absence of conclusive functional and genetic evidence.

Labcorp Genetics (formerly Invitae), Labcorp
Classification: Uncertain significance for Hereditary spastic paraplegia 30; Neuropathy, hereditary sensory, type 2C; Intellectual disability, autosomal dominant 9. Last evaluated: 2024-09-26. Review status: criteria provided, single submitter. Criteria: Invitae Variant Classification Sherloc (09022015). Collection method: clinical testing. Allele origin: germline.
Comment: This sequence change replaces asparagine, which is neutral and polar, with serine, which is neutral and polar, at codon 235 of the KIF1A protein (p.Asn235Ser). This variant is not present in population databases (gnomAD no frequency). This variant has not been reported in the literature in individuals affected with KIF1A-related conditions. ClinVar contains an entry for this variant (Variation ID: 2159132). Invitae Evidence Modeling of protein sequence and biophysical properties (such as structural, functional, and spatial information, amino acid conservation, physicochemical variation, residue mobility, and thermodynamic stability) indicates that this missense variant is expected to disrupt KIF1A protein function with a positive predictive value of 95%. In summary, the available evidence is currently insufficient to determine the role of this variant in disease. Therefore, it has been classified as a Variant of Uncertain Significance.